The following is an entry in ClinVar:

NM_001080.3(ALDH5A1):c.*2766G>A

Gene: ALDH5A1 (aldehyde dehydrogenase 5 family member A1; plus strand). Cytogenetic location: 6p22.3.
Variant type: single nucleotide variant.
Coding change: c.*2766G>A on transcript NM_001080.3 (MANE Select); 2766 bases downstream of the stop codon, G replaced by A.
Molecular consequence: 3 prime UTR variant.
Genome position (GRCh38, 1-based): chr6:24,536,478, G>A. VCF-style: chr6-24536478-G-A. GRCh37 (hg19) VCF-style: chr6-24536706-G-A.
Other names: c.*2766G>A (NM_001368954.1, NM_170740.1).
Identifiers: ClinVar variation 356185 (VCV000356185.5), dbSNP rs13197086, ClinGen allele CA10626380.

ClinVar aggregate classification (germline): Benign (1 of 4 stars; one submission).

Conditions:
Succinate-semialdehyde dehydrogenase deficiency (SSADHD). Also called: Succinic Semialdehyde Dehydrogenase Deficiency; 4-HYDROXYBUTYRIC ACIDURIA; GABA METABOLIC DEFECT; SSADH DEFICIENCY. Identifiers: Orphanet 22, MedGen C0268631, MONDO:0010083, OMIM 271980.

Allele frequency attached by ClinVar (database versions not stated): 1000 Genomes Project 30x 0.05231; 1000 Genomes Project 0.05411; TOPMed 0.06369; gnomAD 0.06884 and 0.07032.

Submission:

Illumina Laboratory Services, Illumina
Classification: Benign for Succinate-semialdehyde dehydrogenase deficiency. Last evaluated: 2018-01-12. Review status: criteria provided, single submitter. Criteria: ICSL Variant Classification Criteria 13 December 2019. Collection method: clinical testing. Allele origin: germline.
Comment: This variant was observed in the ICSL laboratory as part of a predisposition screen in an ostensibly healthy population. It had not been previously curated by ICSL or reported in the Human Gene Mutation Database (HGMD: prior to June 1st, 2018), and was therefore a candidate for classification through an automated scoring system. Utilizing variant allele frequency, disease prevalence and penetrance estimates, and inheritance mode, an automated score was calculated to assess if this variant is too frequent to cause the disease. Based on the score and internal cut-off values, a variant classified as benign is not then subjected to further curation. The score for this variant resulted in a classification of benign for this disease.